The following is an entry in ClinVar:

GRCh37/hg19 10p15.3-12.31(chr10:100027-18976780)x3

Genes: CELF2 (CUGBP Elav-like family member 2; plus strand), LARP4B (La ribonucleoprotein 4B; minus strand), MCM10 (minichromosome maintenance 10 replication initiation factor; plus strand), FAM107B (family with sequence similarity 107 member B; minus strand), FRMD4A (FERM domain containing 4A; minus strand) and 80 more. Cytogenetic location: 10p15.3-12.31.
Variant type: copy number gain.
Change: copy number 3 (three copies instead of two) of chr10:100,027-18,976,780 (18.88 Mb, GRCh37 coordinates, 1-based), cytogenetic band 10p15.3-12.31.
Identifiers: ClinVar variation 3391850 (VCV003391850.1).

ClinVar aggregate classification (germline): Pathogenic (1 of 4 stars; one submission).

Submission:

Quest Diagnostics Nichols Institute San Juan Capistrano
Classification: Pathogenic. Last evaluated: 2024-06-06. Review status: criteria provided, single submitter. Criteria: ACMG/ClinGen CNV Guidelines, 2019. Collection method: clinical testing. Allele origin: unknown.
Comment: This terminal gain involves at least 88 protein-coding genes. Smaller duplications within the current interval have been reported in individuals with variable phenotypes (Bai 2016, Giri 2017, Girirajan 2013, Joosse 2021, Mei 2017, Mihci 2008, Syrmou 2013, Voullaire 2000). Thus, based on current medical literature and gene count, this copy number variant (CNV) is classified as pathogenic. References: Bai et al., Invest Ophthalmol Vis Sci. 2016 Apr;57(4):1847-52. PMID: 27082299; Giri et al., Endocrinol Diabetes Metab Case Rep. 2017 Mar 31;2017:16-0125. PMID: 28458900; Girirajan et al., Am J Hum Genet. 2013 Feb 7;92(2):221-37. PMID: 23375656; Joosse et al., Mucosal Immunol. 2021 Sep;14(5):1172-1182. PMID: 34226674; Mei et al., J Obstet Gynaecol Res. 2017 Jun;43(6):1076-1079. PMID: 28621052; Mihci et al., Am J Med Genet A. 2008 Sep 1;146A(17):2298-300. PMID: 18671282; Syrmou et al., Pediatr Res. 2013 Jun;73(6):772-6. PMID: 23481551; Voullaire et al., J Med Genet. 2000 Mar;37(3):233-7. PMID: 10777370